The following is an entry in ClinVar:

NM_016239.4(MYO15A):c.2205_2212del (p.Leu736fs)

Gene: MYO15A (myosin XVA; plus strand). Cytogenetic location: 17p11.2.
Variant type: Deletion.
Coding change: c.2205_2212del on transcript NM_016239.4 (MANE Select); coding-DNA positions 2205 to 2212, 8 bases deleted (ACTAGCCT; older notation c.2205_2212delACTAGCCT).
Protein change: p.Leu736fs; shifts the reading frame from leucine 736.
Molecular consequence: frameshift variant.
Genome position (GRCh38, 1-based): chr17:18,121,005-18,121,012, ACTAGCCT deleted; deleting any 8 consecutive bases within chr17:18,121,002-18,121,012 gives the same sequence; the c. name uses the placement nearest the transcript's 3' end. VCF-style (leftmost placement, unchanged base first): chr17-18121001-ACCTACTAG-A. GRCh37 (hg19) VCF-style: chr17-18024315-ACCTACTAG-A.
Other names: short protein forms L736fs.
Identifiers: ClinVar variation 2728667 (VCV002728667.3), dbSNP rs2545185748, ClinGen allele CA2697559445.

ClinVar aggregate classification (germline): Pathogenic (1 of 4 stars; one submission).

Submission:

Labcorp Genetics (formerly Invitae), Labcorp
Classification: Pathogenic. Last evaluated: 2023-06-25. Review status: criteria provided, single submitter. Criteria: Invitae Variant Classification Sherloc (09022015). Collection method: clinical testing. Allele origin: germline.
Comment: This sequence change creates a premature translational stop signal (p.Leu736Profs*241) in the MYO15A gene. It is expected to result in an absent or disrupted protein product. Loss-of-function variants in MYO15A are known to be pathogenic (PMID: 17546645). This variant is not present in population databases (gnomAD no frequency). This variant has not been reported in the literature in individuals affected with MYO15A-related conditions. For these reasons, this variant has been classified as Pathogenic.

Literature cited by the submitters: PubMed 17546645.